The following is an entry in ClinVar:

NM_024675.4(PALB2):c.2016A>G (p.Glu672=)

Gene: PALB2 (partner and localizer of BRCA2; minus strand). Cytogenetic location: 16p12.2.
Variant type: single nucleotide variant.
Coding change: c.2016A>G on transcript NM_024675.4 (MANE Select); coding-DNA position 2016, A replaced by G.
Protein change: p.Glu672=; no amino-acid change (glutamic acid 672 retained).
Molecular consequence: synonymous variant. On other transcripts: intron variant (1).
Genome position (GRCh38, 1-based): chr16:23,630,138, T>C on the plus strand (A>G on the coding strand, the complement: PALB2 is on the minus strand). VCF-style: chr16-23630138-T-C. GRCh37 (hg19) VCF-style: chr16-23641459-T-C.
Other names: c.1956A>G, p.Glu652= (NM_001407296.1); c.2016A>G, p.Glu672= (NM_001407297.1, NM_001407298.1, NM_001407299.1 and 3 more transcripts); c.1131A>G, p.Glu377= (NM_001407304.1, NM_001407305.1, NM_001407306.1 and 5 more transcripts); c.228A>G, p.Glu76= (NM_001407312.1, NM_001407313.1); c.49-863A>G (NM_001407314.1).
Identifiers: ClinVar variation 1784468 (VCV001784468.4), dbSNP rs2142383398, ClinGen allele CA494461075.

ClinVar aggregate classification (germline): Benign/Likely benign. Review status: criteria provided, multiple submitters, no conflicts (2 of 4 stars). 3 submissions from 3 submitters: Benign (1); Likely benign (2). Last evaluated 2025-03-18.

Conditions:
Hereditary cancer-predisposing syndrome. Also called: Neoplastic Syndromes, Hereditary; Tumor predisposition; Hereditary Cancer Syndrome; Hereditary neoplastic syndrome. Identifiers: Orphanet 140162, MedGen C0027672, MeSH D009386, MONDO:0015356.
Familial cancer of breast. Also called: BREAST CANCER, FAMILIAL; Hereditary breast cancer; hereditary breast carcinoma. Identifiers: Orphanet 227535, MedGen C0346153, MONDO:0016419, OMIM 114480. Disease mechanism: loss of function.

Submissions (3):

Labcorp Genetics (formerly Invitae), Labcorp
Classification: Likely benign for Familial cancer of breast. Last evaluated: 2025-03-18. Review status: criteria provided, single submitter. Criteria: Invitae Variant Classification Sherloc (09022015). Collection method: clinical testing. Allele origin: germline.

Myriad Genetics, Inc.
Classification: Benign for Familial cancer of breast. Last evaluated: 2025-01-15. Review status: criteria provided, single submitter. Criteria: Myriad Autosomal Dominant, Autosomal Recessive and X-Linked Classification Criteria (2023). Collection method: clinical testing. Allele origin: unknown.
Comment: This variant is considered benign. This variant is a silent/synonymous amino acid change and it is not expected to impact splicing.

Ambry Genetics
Classification: Likely benign for Hereditary cancer-predisposing syndrome. Last evaluated: 2020-10-24. Review status: criteria provided, single submitter. Criteria: Ambry Variant Classification Scheme 2023. Collection method: clinical testing. Allele origin: germline.